The following is an entry in ClinVar:

NM_002734.5(PRKAR1A):c.221G>C (p.Arg74Pro)

Gene: PRKAR1A (protein kinase cAMP-dependent type I regulatory subunit alpha; plus strand). Cytogenetic location: 17q24.2.
Variant type: single nucleotide variant.
Coding change: c.221G>C on transcript NM_002734.5 (MANE Select); coding-DNA position 221, G replaced by C.
Protein change: p.Arg74Pro; replaces arginine 74 with proline.
Molecular consequence: missense variant.
Genome position (GRCh38, 1-based): chr17:68,522,799, G>C. VCF-style: chr17-68522799-G-C. GRCh37 (hg19) VCF-style: chr17-66518940-G-C.
Other names: c.221G>C, p.Arg74Pro (NM_001276289.2, NM_001276290.1, NM_001278433.2 and 4 more transcripts); c.221G>C (NM_002734.3); short protein forms R74P.
Identifiers: ClinVar variation 648708 (VCV000648708.11), dbSNP rs200069356, ClinGen allele CA400752249.
Genomic context (GRCh38, chr17:68,522,799, plus strand): 5'-CTCGTAATTTCTTTCAGGAGGAGGCAAAACAGATTCAGAATCTGCAGAAAGCAGGCACTC[G>C]TACAGACTCAAGGGAGGATGAGATTTCTCCTCCTCCACCCAACCCAGTGGTTAAAGGTAG-3'
Protein context (NP_002725.1, residues 64-84): QIQNLQKAGT[Arg74Pro]TDSREDEISP

ClinVar aggregate classification (germline): Uncertain significance. Review status: criteria provided, multiple submitters, no conflicts (2 of 4 stars). 2 submissions from 2 submitters: Uncertain significance (2). Last evaluated 2023-09-11.

Conditions:
Hereditary cancer-predisposing syndrome. Also called: Neoplastic Syndromes, Hereditary; Tumor predisposition; Hereditary Cancer Syndrome; Hereditary neoplastic syndrome. Identifiers: Orphanet 140162, MedGen C0027672, MeSH D009386, MONDO:0015356.
Carney complex, type 1 (CNC1). Also called: CARNEY MYXOMA-ENDOCRINE COMPLEX; CARNEY COMPLEX, TYPE I. Identifiers: Orphanet 1359, MedGen C2607929, MONDO:0008057, OMIM 160980.

gnomAD v4.1: 2 of 1,614,122 alleles (0.00012%); highest among the groups gnomAD compares: East Asian, 0.0022%; no homozygotes.

Submissions (2):

Ambry Genetics
Classification: Uncertain significance for Hereditary cancer-predisposing syndrome. Last evaluated: 2023-09-11. Review status: criteria provided, single submitter. Criteria: Ambry Variant Classification Scheme 2023. Collection method: clinical testing. Allele origin: germline.
Comment: The p.R74P variant (also known as c.221G>C), located in coding exon 2 of the PRKAR1A gene, results from a G to C substitution at nucleotide position 221. The arginine at codon 74 is replaced by proline, an amino acid with dissimilar properties. This amino acid position is well conserved in available vertebrate species. In addition, this alteration is predicted to be deleterious by in silico analysis. Since supporting evidence is limited at this time, the clinical significance of this alteration remains unclear.

Labcorp Genetics (formerly Invitae), Labcorp
Classification: Uncertain significance for Carney complex, type 1. Last evaluated: 2023-09-11. Review status: criteria provided, single submitter. Criteria: Invitae Variant Classification Sherloc (09022015). Collection method: clinical testing. Allele origin: germline.
Comment: This sequence change replaces arginine, which is basic and polar, with proline, which is neutral and non-polar, at codon 74 of the PRKAR1A protein (p.Arg74Pro). This variant is not present in population databases (gnomAD no frequency). This variant has not been reported in the literature in individuals affected with PRKAR1A-related conditions. ClinVar contains an entry for this variant (Variation ID: 648708). An algorithm developed to predict the effect of missense changes on protein structure and function (PolyPhen-2) suggests that this variant is likely to be tolerated. In summary, the available evidence is currently insufficient to determine the role of this variant in disease. Therefore, it has been classified as a Variant of Uncertain Significance.